The following is an entry in ClinVar:

ClinVar aggregate classification (germline): Uncertain significance (1 of 4 stars; one submission).

Submission:

Labcorp Genetics (formerly Invitae), Labcorp
Classification: Uncertain significance. Last evaluated: 2024-12-26. Review status: criteria provided, single submitter. Criteria: Invitae Variant Classification Sherloc (09022015). Collection method: clinical testing. Allele origin: germline.
Comment: This sequence change replaces alanine, which is neutral and non-polar, with valine, which is neutral and non-polar, at codon 558 of the GEN1 protein (p.Ala558Val). This variant is not present in population databases (gnomAD no frequency). This variant has not been reported in the literature in individuals affected with GEN1-related conditions. An algorithm developed to predict the effect of missense changes on protein structure and function outputs the following: PolyPhen-2: "Benign". The valine amino acid residue is found in multiple mammalian species, which suggests that this missense change does not adversely affect protein function. In summary, the available evidence is currently insufficient to determine the role of this variant in disease. Therefore, it has been classified as a Variant of Uncertain Significance.

NM_001130009.3(GEN1):c.1673C>T (p.Ala558Val)

Gene: GEN1 (GEN1 structure-specific endonuclease; plus strand). Cytogenetic location: 2p24.2.
Variant type: single nucleotide variant.
Coding change: c.1673C>T on transcript NM_001130009.3 (MANE Select); coding-DNA position 1673, C replaced by T.
Protein change: p.Ala558Val; replaces alanine 558 with valine.
Molecular consequence: missense variant.
Genome position (GRCh38, 1-based): chr2:17,780,885, C>T. VCF-style: chr2-17780885-C-T. GRCh37 (hg19) VCF-style: chr2-17962152-C-T.
Other names: c.1673C>T, p.Ala558Val (NM_182625.5); short protein forms A558V.
Identifiers: ClinVar variation 3628038 (VCV003628038.2).